The following is an entry in ClinVar:

NM_002775.5(HTRA1):c.118C>G (p.Arg40Gly)

Gene: HTRA1 (HtrA serine peptidase 1; plus strand). Cytogenetic location: 10q26.13.
Variant type: single nucleotide variant.
Coding change: c.118C>G on transcript NM_002775.5 (MANE Select); coding-DNA position 118, C replaced by G.
Protein change: p.Arg40Gly; replaces arginine 40 with glycine.
Molecular consequence: missense variant.
Genome position (GRCh38, 1-based): chr10:122,461,770, C>G. VCF-style: chr10-122461770-C-G. GRCh37 (hg19) VCF-style: chr10-124221286-C-G.
Other names: short protein forms R40G.
Identifiers: ClinVar variation 3107606 (VCV003107606.2), dbSNP rs981868016, ClinGen allele CA214415255.

ClinVar aggregate classification (germline): Uncertain significance. Review status: criteria provided, multiple submitters, no conflicts (2 of 4 stars). 2 submissions from 2 submitters: Uncertain significance (2). Last evaluated 2025-07-02.

Conditions:
Inborn genetic diseases. Identifiers: MedGen C0950123, MeSH D030342.

gnomAD v4.1: 5 of 1,057,126 alleles (0.00047%); highest among the groups gnomAD compares: Admixed American, 0.016%; no homozygotes.

Submissions (2):

Labcorp Genetics (formerly Invitae), Labcorp
Classification: Uncertain significance. Last evaluated: 2025-07-02. Review status: criteria provided, single submitter. Criteria: Invitae Variant Classification Sherloc (09022015). Collection method: clinical testing. Allele origin: germline.
Comment: This sequence change replaces arginine, which is basic and polar, with glycine, which is neutral and non-polar, at codon 40 of the HTRA1 protein (p.Arg40Gly). This variant is present in population databases (no rsID available, gnomAD no frequency). This variant has not been reported in the literature in individuals affected with HTRA1-related conditions. ClinVar contains an entry for this variant (Variation ID: 3107606). Invitae Evidence Modeling of protein sequence and biophysical properties (such as structural, functional, and spatial information, amino acid conservation, physicochemical variation, residue mobility, and thermodynamic stability) has been performed for this missense variant. However, the output from this modeling did not meet the statistical confidence thresholds required to predict the impact of this variant on HTRA1 protein function. In summary, the available evidence is currently insufficient to determine the role of this variant in disease. Therefore, it has been classified as a Variant of Uncertain Significance.

Ambry Genetics
Classification: Uncertain significance for Inborn genetic diseases. Last evaluated: 2024-01-03. Review status: criteria provided, single submitter. Criteria: Ambry Variant Classification Scheme 2023. Collection method: clinical testing. Allele origin: germline.